The following is an entry in ClinVar:

ClinVar aggregate classification (germline): Benign/Likely benign. Review status: criteria provided, multiple submitters, no conflicts (2 of 4 stars). 7 submissions from 7 submitters: Benign (2); Likely benign (2). 3 of the submissions do not count toward it. Last evaluated 2026-01-29.

Conditions:
PDGFB-related disorder. Also called: PDGFB-related condition.

Allele frequency attached by ClinVar (database versions not stated): gnomAD exomes 0.01170 and 0.01296; gnomAD 0.01965 and 0.02038; TOPMed 0.02118; 1000 Genomes Project 30x 0.01546; 1000 Genomes Project 0.01637; ESP Exome Variant Server 0.01945; ExAC 0.02821.
gnomAD v4.1: 21,385 of 1,562,296 alleles (1.4%); highest among the groups gnomAD compares: African/African-American, 3.8%; 176 homozygotes.

Submissions (7):

Labcorp Genetics (formerly Invitae), Labcorp
Classification: Benign. Last evaluated: 2026-01-29. Review status: criteria provided, single submitter. Criteria: Invitae Variant Classification Sherloc (09022015). Collection method: clinical testing. Allele origin: germline.

Mayo Clinic Laboratories, Mayo Clinic
Classification: Benign. Last evaluated: 2023-03-02. Review status: criteria provided, single submitter. Criteria: ACMG Guidelines, 2015. Collection method: clinical testing. Allele origin: germline. Observed: 22 variant alleles.
Comment: BS1, BS2, BP4, BP7

GeneDx
Classification: Likely benign. Last evaluated: 2021-11-01. Review status: criteria provided, single submitter. Criteria: GeneDx Variant Classification Process June 2021. Collection method: clinical testing. Allele origin: germline. Affected: yes.

Breakthrough Genomics
Classification: Likely benign. Review status: criteria provided, single submitter. Criteria: ACMG Guidelines, 2015. Collection method: not provided. Allele origin: germline. Inheritance: Autosomal dominant inheritance. Affected: yes.

PreventionGenetics, part of Exact Sciences
Classification: Benign for PDGFB-related condition. Last evaluated: 2019-11-12. Review status: no assertion criteria provided. Collection method: clinical testing. Allele origin: germline. Not counted in ClinVar's aggregate classification.
Comment: This variant is classified as benign based on ACMG/AMP sequence variant interpretation guidelines (Richards et al. 2015 PMID: 25741868, with internal and published modifications).

Genome Diagnostics Laboratory, Amsterdam University Medical Center
Classification: Benign. Review status: no assertion criteria provided. Collection method: clinical testing. Allele origin: germline. Affected: yes. Study: VKGL Data-share Consensus. Not counted in ClinVar's aggregate classification.

Joint Genome Diagnostic Labs from Nijmegen and Maastricht, Radboudumc and MUMC+
Classification: Benign. Review status: no assertion criteria provided. Collection method: clinical testing. Allele origin: germline. Affected: yes. Study: VKGL Data-share Consensus. Not counted in ClinVar's aggregate classification.

NM_002608.4(PDGFB):c.453C>G (p.Val151=)

Gene: PDGFB (platelet derived growth factor subunit B; minus strand). Cytogenetic location: 22q13.1.
Variant type: single nucleotide variant.
Coding change: c.453C>G on transcript NM_002608.4 (MANE Select); coding-DNA position 453, C replaced by G.
Protein change: p.Val151=; no amino-acid change (valine 151 retained).
Molecular consequence: synonymous variant.
Genome position (GRCh38, 1-based): chr22:39,231,625, G>C on the plus strand (C>G on the coding strand, the complement: PDGFB is on the minus strand). VCF-style: chr22-39231625-G-C. GRCh37 (hg19) VCF-style: chr22-39627630-G-C.
Other names: p.Val151=; c.453C>G (NM_002608.3); c.408C>G, p.Val136= (NM_033016.3).
Identifiers: ClinVar variation 1188397 (VCV001188397.19), dbSNP rs55634318, ClinGen allele CA10240117.